The following is an entry in ClinVar:

NM_005862.3(STAG1):c.3499C>G (p.Arg1167Gly)

Gene: STAG1 (STAG1 cohesin complex component; minus strand). Cytogenetic location: 3q22.3.
Variant type: single nucleotide variant.
Coding change: c.3499C>G on transcript NM_005862.3 (MANE Select); coding-DNA position 3499, C replaced by G.
Protein change: p.Arg1167Gly; replaces arginine 1167 with glycine.
Molecular consequence: missense variant.
Genome position (GRCh38, 1-based): chr3:136,341,499, G>C on the plus strand (C>G on the coding strand, the complement: STAG1 is on the minus strand). VCF-style: chr3-136341499-G-C. GRCh37 (hg19) VCF-style: chr3-136060341-G-C.
Other names: short protein forms R1167G.
Identifiers: ClinVar variation 2504375 (VCV002504375.1), dbSNP rs2530021558, ClinGen allele CA354652302.
Genomic context (GRCh38, chr3:136,341,499, plus strand): 5'-ACACAGCATGCCTCACTCCAGTTCTCACTTTCATGTAGTTCATTCCTGTTCTGTCCTTCC[G>C]ATTTAAGTCTTCTAACTTCGGCTGGCCTAACCAAGAGATCTGCATCTGAGGACTAAGAGA-3'
Protein context (NP_005853.2, residues 1157-1177): LGQPKLEDLN[Arg1167Gly]KDRTGMNYMK

ClinVar aggregate classification (germline): Uncertain significance (1 of 4 stars; one submission).

gnomAD v4.1: 1 of 1,613,862 alleles (0.000062%); highest among the groups gnomAD compares: East Asian, 0.0022%; no homozygotes.

Submission:

GeneDx
Classification: Uncertain significance. Last evaluated: 2022-12-02. Review status: criteria provided, single submitter. Criteria: GeneDx Variant Classification Process June 2021. Collection method: clinical testing. Allele origin: germline. Affected: yes.
Comment: Not observed at significant frequency in large population cohorts (gnomAD); In silico analysis supports that this missense variant does not alter protein structure/function; Has not been previously published as pathogenic or benign to our knowledge